The following is an entry in ClinVar:

NM_001378418.1(TCF20):c.4342G>C (p.Glu1448Gln)

Gene: TCF20 (transcription factor 20; minus strand). Cytogenetic location: 22q13.2.
Variant type: single nucleotide variant.
Coding change: c.4342G>C on transcript NM_001378418.1 (MANE Select); coding-DNA position 4342, G replaced by C.
Protein change: p.Glu1448Gln; replaces glutamic acid 1448 with glutamine.
Molecular consequence: missense variant.
Genome position (GRCh38, 1-based): chr22:42,210,964, C>G on the plus strand (G>C on the coding strand, the complement: TCF20 is on the minus strand). VCF-style: chr22-42210964-C-G. GRCh37 (hg19) VCF-style: chr22-42606970-C-G.
Other names: c.4342G>C, p.Glu1448Gln (NM_005650.4, NM_181492.3); short protein forms E1448Q.
Identifiers: ClinVar variation 4700243 (VCV004700243.1).

ClinVar aggregate classification (germline): Uncertain significance (1 of 4 stars; one submission).

gnomAD v4.1: 9 of 1,614,170 alleles (0.00056%); highest among the groups gnomAD compares: Non-Finnish European, 0.00076%; no homozygotes.

Submission:

Labcorp Genetics (formerly Invitae), Labcorp
Classification: Uncertain significance. Last evaluated: 2025-09-15. Review status: criteria provided, single submitter. Criteria: Invitae Variant Classification Sherloc (09022015). Collection method: clinical testing. Allele origin: germline.
Comment: This sequence change replaces glutamic acid, which is acidic and polar, with glutamine, which is neutral and polar, at codon 1448 of the TCF20 protein (p.Glu1448Gln). This variant is present in population databases (rs765960909, gnomAD 0.0009%). This variant has not been reported in the literature in individuals affected with TCF20-related conditions. An algorithm developed to predict the effect of missense changes on protein structure and function (PolyPhen-2) suggests that this variant is likely to be tolerated. In summary, the available evidence is currently insufficient to determine the role of this variant in disease. Therefore, it has been classified as a Variant of Uncertain Significance.